The following is an entry in ClinVar:

NC_000018.9:g.(?_48591783)_(48591986_?)del

Gene: SMAD4 (SMAD family member 4; plus strand). Cytogenetic location: 18q21.2.
Variant type: Deletion.
Identifiers: ClinVar variation 1456071 (VCV001456071.4).

ClinVar aggregate classification (germline): Pathogenic (1 of 4 stars; one submission).

Conditions:
Juvenile polyposis syndrome (JPS). Identifiers: Orphanet 2929, MedGen C0345893, MONDO:0017380, OMIM 174900.

Submission:

Labcorp Genetics (formerly Invitae), Labcorp
Classification: Pathogenic for Juvenile polyposis syndrome. Last evaluated: 2021-08-20. Review status: criteria provided, single submitter. Criteria: Invitae Variant Classification Sherloc (09022015). Collection method: clinical testing. Allele origin: germline.
Comment: This variant is a gross deletion of the genomic region encompassing exon(s) 9 of the SMAD4 gene. This deletion is out-of-frame, and is expected to create a premature termination codon and result in an absent or disrupted protein product. Loss-of-function variants in SMAD4 are known to be pathogenic (PMID: 16152648, 16436638, 22810475). This variant has not been reported in the literature in individuals affected with SMAD4-related conditions. For these reasons, this variant has been classified as Pathogenic.

Literature cited by the submitters: PubMed 16152648; PubMed 16436638; PubMed 22810475.